The following is an entry in ClinVar:

ClinVar aggregate classification (germline): Pathogenic (1 of 4 stars; one submission).

Conditions:
Hereditary cancer-predisposing syndrome. Also called: Neoplastic Syndromes, Hereditary; Tumor predisposition; Hereditary Cancer Syndrome; Hereditary neoplastic syndrome. Identifiers: Orphanet 140162, MedGen C0027672, MeSH D009386, MONDO:0015356.

Submission:

Ambry Genetics
Classification: Pathogenic for Hereditary cancer-predisposing syndrome. Last evaluated: 2022-07-12. Review status: criteria provided, single submitter. Criteria: Ambry Variant Classification Scheme 2023. Collection method: clinical testing. Allele origin: germline.
Comment: The c.1004_1019dup16 pathogenic mutation, located in coding exon 8 of the STK11 gene, results from a duplication of TGACTGTGGTGCCGTA at nucleotide position 1004, causing a translational frameshift with a predicted alternate stop codon (p.L341Dfs*24). This variant is considered to be rare based on population cohorts in the Genome Aggregation Database (gnomAD). This alteration is expected to result in loss of function by premature protein truncation or nonsense-mediated mRNA decay. As such, this alteration is interpreted as a disease-causing mutation.

NM_000455.5(STK11):c.1004_1019dup (p.Leu341fs)

Genes: STK11 (serine/threonine kinase 11; plus strand), LOC130062899 (ATAC-STARR-seq lymphoblastoid active region 13597; plus strand). Cytogenetic location: 19p13.3.
Variant type: Duplication.
Coding change: c.1004_1019dup on transcript NM_000455.5 (MANE Select); coding-DNA positions 1004 to 1019, 16 bases duplicated (TGACTGTGGTGCCGTA).
Protein change: p.Leu341fs; shifts the reading frame from leucine 341.
Molecular consequence: frameshift variant.
Genome position (GRCh38, 1-based): chr19:1,223,068-1,223,083, TGACTGTGGTGCCGTA duplicated; duplicating any 16 consecutive bases within chr19:1,223,067-1,223,083 gives the same sequence; the c. name uses the placement nearest the transcript's 3' end. VCF-style (leftmost placement, unchanged base first): chr19-1223066-C-CATGACTGTGGTGCCGT. GRCh37 (hg19) VCF-style: chr19-1223065-C-CATGACTGTGGTGCCGT.
Other names: c.1004_1019dup, p.Leu341Aspfs (NM_001407255.1); c.1004_1019dupTGACTGTGGTGCCGTA (NM_000455.4); short protein forms L341fs.
Identifiers: ClinVar variation 1776678 (VCV001776678.2), dbSNP rs2512948998, ClinGen allele CA2580096140.
Genomic context (GRCh38, chr19:1,223,066, plus strand): 5'-TCCGGCTGAAGCACCAGTGCCCATCCCACCGAGCCCAGACACCAAGGACCGGTGGCGCAG[C>CATGACTGTGGTGCCGT]ATGACTGTGGTGCCGTACTTGGAGGACCTGCACGGCGCGGACGAGGACGAGGACCTCTTC-3'